The following is an entry in ClinVar:

ClinVar aggregate classification (germline): Likely benign. Review status: criteria provided, multiple submitters, no conflicts (2 of 4 stars). 2 submissions from 2 submitters: Likely benign (2). Last evaluated 2025-11-13.

Conditions:
Lynch syndrome 5 (LYNCH5). Also called: Hereditary non-polyposis colorectal cancer, type 5; Colorectal cancer, hereditary nonpolyposis, type 5. Identifiers: Orphanet 144, MedGen C1833477, MONDO:0013710, OMIM 614350. Disease mechanism: loss of function.
Hereditary nonpolyposis colorectal neoplasms. Identifiers: MedGen C0009405, MeSH D003123.

Submissions (2):

Labcorp Genetics (formerly Invitae), Labcorp
Classification: Likely benign for Hereditary nonpolyposis colorectal neoplasms. Last evaluated: 2025-11-13. Review status: criteria provided, single submitter. Criteria: Invitae Variant Classification Sherloc (09022015). Collection method: clinical testing. Allele origin: germline.

Myriad Genetics, Inc.
Classification: Likely benign for Lynch syndrome 5. Last evaluated: 2025-01-03. Review status: criteria provided, single submitter. Criteria: Myriad Autosomal Dominant, Autosomal Recessive and X-Linked Classification Criteria (2023). Collection method: clinical testing. Allele origin: unknown.
Comment: This variant is considered likely benign. This variant is intronic and is not expected to impact mRNA splicing.

NM_000179.3(MSH6):c.3172+9T>G

Gene: MSH6 (mutS homolog 6; plus strand). Cytogenetic location: 2p16.3.
Variant type: single nucleotide variant.
Coding change: c.3172+9T>G on transcript NM_000179.3 (MANE Select); 9 bases into the intron after coding-DNA position 3172, T replaced by G.
Molecular consequence: intron variant.
Genome position (GRCh38, 1-based): chr2:47,801,164, T>G. VCF-style: chr2-47801164-T-G. GRCh37 (hg19) VCF-style: chr2-48028303-T-G.
Other names: c.2266+9T>G (NM_001281493.2, NM_001281494.2); c.2782+9T>G (NM_001281492.2).
Identifiers: ClinVar variation 1910931 (VCV001910931.6), dbSNP rs1572730565, ClinGen allele CA346756768.